The following is an entry in ClinVar:

NM_001127222.2(CACNA1A):c.3914G>C (p.Gly1305Ala)

Genes: CACNA1A (calcium voltage-gated channel subunit alpha1 A; minus strand), LOC126862865 (CDK7 strongly-dependent group 2 enhancer GRCh37_chr19:13385818-13387017; plus strand). Cytogenetic location: 19p13.13.
Variant type: single nucleotide variant.
Coding change: c.3914G>C on transcript NM_001127222.2 (MANE Select); coding-DNA position 3914, G replaced by C.
Protein change: p.Gly1305Ala; replaces glycine 1305 with alanine.
Molecular consequence: missense variant.
Genome position (GRCh38, 1-based): chr19:13,275,925, C>G on the plus strand (G>C on the coding strand, the complement: CACNA1A is on the minus strand). VCF-style: chr19-13275925-C-G. GRCh37 (hg19) VCF-style: chr19-13386739-C-G.
Other names: c.3926G>C, p.Gly1309Ala (NM_000068.4, NM_023035.3); c.3917G>C, p.Gly1306Ala (NM_001127221.2, NM_001174080.2); short protein forms G1305A, G1306A, G1309A.
Identifiers: ClinVar variation 4075478 (VCV004075478.1).

ClinVar aggregate classification (germline): Uncertain significance (1 of 4 stars; one submission).

Submission:

GeneDx
Classification: Uncertain significance. Last evaluated: 2025-02-12. Review status: criteria provided, single submitter. Criteria: GeneDx Variant Classification Process June 2021. Collection method: clinical testing. Allele origin: germline. Affected: yes.
Comment: Not observed at significant frequency in large population cohorts (gnomAD); In silico analysis supports that this missense variant has a deleterious effect on protein structure/function; Has not been previously published as pathogenic or benign to our knowledge